The following is an entry in ClinVar:

ClinVar aggregate classification (germline): Benign/Likely benign. Review status: criteria provided, multiple submitters, no conflicts (2 of 4 stars). 5 submissions from 5 submitters: Benign (2); Likely benign (3). Last evaluated 2026-02-01.

Allele frequency attached by ClinVar (database versions not stated): 1000 Genomes Project 30x 0.00656; 1000 Genomes Project 0.00739; gnomAD 0.00899 and 0.00942; TOPMed 0.00938; ESP Exome Variant Server 0.01099; gnomAD exomes 0.01179 and 0.01294; ExAC 0.01182.
gnomAD v4.1: 20,254 of 1,602,528 alleles (1.3%); highest among the groups gnomAD compares: South Asian, 2.1%; 171 homozygotes.

Submissions (5):

Labcorp Genetics (formerly Invitae), Labcorp
Classification: Benign. Last evaluated: 2026-02-01. Review status: criteria provided, single submitter. Criteria: Invitae Variant Classification Sherloc (09022015). Collection method: clinical testing. Allele origin: germline.

Mayo Clinic Laboratories, Mayo Clinic
Classification: Benign. Last evaluated: 2024-12-26. Review status: criteria provided, single submitter. Criteria: ACMG Guidelines, 2015. Collection method: clinical testing. Allele origin: germline. Observed: 1 variant allele.
Comment: BS1, BS2, BP4, BP7

Blueprint Genetics
Classification: Likely benign. Last evaluated: 2024-11-25. Review status: criteria provided, single submitter. Criteria: ACMG Guidelines, 2015. Collection method: clinical testing. Allele origin: germline.

GeneDx
Classification: Likely benign. Last evaluated: 2021-11-08. Review status: criteria provided, single submitter. Criteria: GeneDx Variant Classification Process June 2021. Collection method: clinical testing. Allele origin: germline. Affected: yes.

Breakthrough Genomics
Classification: Likely benign. Review status: criteria provided, single submitter. Criteria: ACMG Guidelines, 2015. Collection method: not provided. Allele origin: germline. Inheritance: Autosomal recessive inheritance. Affected: yes.

NM_020401.4(NUP107):c.654A>G (p.Thr218=)

Gene: NUP107 (nucleoporin 107; plus strand). Cytogenetic location: 12q15.
Variant type: single nucleotide variant.
Coding change: c.654A>G on transcript NM_020401.4 (MANE Select); coding-DNA position 654, A replaced by G.
Protein change: p.Thr218=; no amino-acid change (threonine 218 retained).
Molecular consequence: synonymous variant.
Genome position (GRCh38, 1-based): chr12:68,700,827, A>G. VCF-style: chr12-68700827-A-G. GRCh37 (hg19) VCF-style: chr12-69094607-A-G.
Other names: p.Thr218=; c.567A>G, p.Thr189= (NM_001330192.2).
Identifiers: ClinVar variation 1200611 (VCV001200611.16), dbSNP rs35589976, ClinGen allele CA6677505.